The following is an entry in ClinVar:

NM_002234.4(KCNA5):c.377T>C (p.Ile126Thr)

Gene: KCNA5 (potassium voltage-gated channel subfamily A member 5; plus strand). Cytogenetic location: 12p13.32.
Variant type: single nucleotide variant.
Coding change: c.377T>C on transcript NM_002234.4 (MANE Select); coding-DNA position 377, T replaced by C.
Protein change: p.Ile126Thr; replaces isoleucine 126 with threonine.
Molecular consequence: missense variant.
Genome position (GRCh38, 1-based): chr12:5,044,524, T>C. VCF-style: chr12-5044524-T-C. GRCh37 (hg19) VCF-style: chr12-5153690-T-C.
Other names: short protein forms I126T.
Identifiers: ClinVar variation 2115110 (VCV002115110.4), dbSNP rs1862747573, ClinGen allele CA383464280.
Genomic context (GRCh38, chr12:5,044,524, plus strand): 5'-CGGTGGAGGACCAGGCTCTGGGCACGGCGTCCCTGCACCACCAGCGCGTCCACATCAACA[T>C]CTCCGGGCTGCGCTTTGAGACGCAGCTGGGCACCCTGGCGCAGTTCCCCAACACACTCCT-3'
Protein context (NP_002225.2, residues 116-136): SLHHQRVHIN[Ile126Thr]SGLRFETQLG

ClinVar aggregate classification (germline): Uncertain significance (1 of 4 stars; one submission).

Conditions:
Atrial fibrillation, familial, 7 (ATFB7). Identifiers: MedGen C2677106, MONDO:0012828, OMIM 612240.

Submission:

Labcorp Genetics (formerly Invitae), Labcorp
Classification: Uncertain significance for Atrial fibrillation, familial, 7. Last evaluated: 2023-08-11. Review status: criteria provided, single submitter. Criteria: Invitae Variant Classification Sherloc (09022015). Collection method: clinical testing. Allele origin: germline.
Comment: ClinVar contains an entry for this variant (Variation ID: 2115110). Advanced modeling of protein sequence and biophysical properties (such as structural, functional, and spatial information, amino acid conservation, physicochemical variation, residue mobility, and thermodynamic stability) performed at Invitae indicates that this missense variant is expected to disrupt KCNA5 protein function. In summary, the available evidence is currently insufficient to determine the role of this variant in disease. Therefore, it has been classified as a Variant of Uncertain Significance. This variant has not been reported in the literature in individuals affected with KCNA5-related conditions. This sequence change replaces isoleucine, which is neutral and non-polar, with threonine, which is neutral and polar, at codon 126 of the KCNA5 protein (p.Ile126Thr). This variant is not present in population databases (gnomAD no frequency).